The following is an entry in ClinVar:

ClinVar aggregate classification (germline): Likely benign. Review status: criteria provided, multiple submitters, no conflicts (2 of 4 stars). 4 submissions from 4 submitters: Likely benign (4). Last evaluated 2026-09-01.

Conditions:
Inborn genetic diseases. Identifiers: MedGen C0950123, MeSH D030342.
Neurodegeneration with brain iron accumulation 5 (NBIA5). Also called: Beta-propeller protein-associated neurodegeneration; STATIC ENCEPHALOPATHY OF CHILDHOOD WITH NEURODEGENERATION IN ADULTHOOD. Identifiers: Orphanet 329284, MedGen C3550973, MONDO:0010476, OMIM 300894.

Allele frequency attached by ClinVar (database versions not stated): ExAC 0.00001; gnomAD 0.00002; gnomAD exomes 0.00002 and 0.00005; TOPMed 0.00004.
gnomAD v4.1: 24 of 1,210,957 alleles (0.002%); highest among the groups gnomAD compares: Admixed American, 0.043%; no homozygotes.

Submissions (4):

CeGaT Center for Human Genetics Tuebingen
Classification: Likely benign. Last evaluated: 2026-09-01. Review status: criteria provided, single submitter. Criteria: CeGaT Center For Human Genetics Tuebingen Variant Classification Criteria Version 2. Collection method: clinical testing. Allele origin: germline. Affected: yes. Observed: 1 variant allele.
Comment: WDR45: BP4, BS2

Ambry Genetics
Classification: Likely benign for Inborn genetic diseases. Last evaluated: 2026-05-20. Review status: criteria provided, single submitter. Criteria: Ambry Variant Classification Scheme 2023. Collection method: clinical testing. Allele origin: germline.

Labcorp Genetics (formerly Invitae), Labcorp
Classification: Likely benign for Neurodegeneration with brain iron accumulation 5. Last evaluated: 2025-11-23. Review status: criteria provided, single submitter. Criteria: Invitae Variant Classification Sherloc (09022015). Collection method: clinical testing. Allele origin: germline.

GeneDx
Classification: Likely benign. Last evaluated: 2021-04-20. Review status: criteria provided, single submitter. Criteria: GeneDx Variant Classification Process June 2021. Collection method: clinical testing. Allele origin: germline. Affected: yes.

NM_001029896.2(WDR45):c.941G>A (p.Arg314His)

Gene: WDR45 (WD repeat domain 45; minus strand). Cytogenetic location: Xp11.23.
Variant type: single nucleotide variant.
Coding change: c.941G>A on transcript NM_001029896.2 (MANE Select); coding-DNA position 941, G replaced by A.
Protein change: p.Arg314His; replaces arginine 314 with histidine.
Molecular consequence: missense variant.
Genome position (GRCh38, 1-based): chrX:49,075,168, C>T on the plus strand (G>A on the coding strand, the complement: WDR45 is on the minus strand). VCF-style: chrX-49075168-C-T. GRCh37 (hg19) VCF-style: chrX-48932827-C-T.
Other names: c.944G>A, p.Arg315His (NM_007075.4); short protein forms R314H, R315H.
Identifiers: ClinVar variation 1159438 (VCV001159438.14), dbSNP rs782736017, ClinGen allele CA10408449.
Genomic context (GRCh38, chrX:49,075,168, plus strand): 5'-CCCCAACCAAGGGGCTGTTCCCACTCACCAATGACAGAGTTGACGTTCTTGGAAGTATTG[C>T]GACCGAAGGCGCAGATGCAAGCTGACTCAGCAGGCACAGTGAAGCTCGCCAGGCTCCACT-3'
Protein context (NP_001025067.1, residues 304-324): AESACICAFG[Arg314His]NTSKNVNSVI